The following is an entry in ClinVar:

ClinVar aggregate classification (germline): Uncertain significance. Review status: criteria provided, multiple submitters, no conflicts (2 of 4 stars). 2 submissions from 2 submitters: Uncertain significance (2). Last evaluated 2024-09-25.

Conditions:
Hereditary cancer-predisposing syndrome. Also called: Tumor predisposition; Hereditary Cancer Syndrome; Hereditary neoplastic syndrome; Neoplastic Syndromes, Hereditary. Identifiers: Orphanet 140162, MedGen C0027672, MeSH D009386, MONDO:0015356.
Familial adenomatous polyposis 1 (FAP1). Also called: FAMILIAL ADENOMATOUS POLYPOSIS 1, ATTENUATED; POLYPOSIS, ADENOMATOUS INTESTINAL. Identifiers: MedGen C2713442, MONDO:0021056, OMIM 175100. Disease mechanism: loss of function.

gnomAD v4.1: 1 of 1,613,994 alleles (0.000062%); no homozygotes.

Submissions (2):

Ambry Genetics
Classification: Uncertain significance for Hereditary cancer-predisposing syndrome. Last evaluated: 2024-09-25. Review status: criteria provided, single submitter. Criteria: Ambry Variant Classification Scheme 2023. Collection method: clinical testing. Allele origin: germline.
Comment: The p.R2721S variant (also known as c.8161C>A), located in coding exon 15 of the APC gene, results from a C to A substitution at nucleotide position 8161. The arginine at codon 2721 is replaced by serine, an amino acid with dissimilar properties. This amino acid position is well conserved in available vertebrate species. Missense alterations in APC are not a common cause of disease (Spier I et al. Genet Med. 2024 Feb;26(2):100992). In addition, in silico predictors for this gene do not accurately predict pathogenicity. Since supporting evidence is limited at this time, the clinical significance of this alteration remains unclear.

Labcorp Genetics (formerly Invitae), Labcorp
Classification: Uncertain significance for Familial adenomatous polyposis 1. Last evaluated: 2024-08-12. Review status: criteria provided, single submitter. Criteria: Invitae Variant Classification Sherloc (09022015). Collection method: clinical testing. Allele origin: germline.
Comment: This sequence change replaces arginine, which is basic and polar, with serine, which is neutral and polar, at codon 2721 of the APC protein (p.Arg2721Ser). This variant is not present in population databases (gnomAD no frequency). This variant has not been reported in the literature in individuals affected with APC-related conditions. ClinVar contains an entry for this variant (Variation ID: 487053). Invitae Evidence Modeling of protein sequence and biophysical properties (such as structural, functional, and spatial information, amino acid conservation, physicochemical variation, residue mobility, and thermodynamic stability) indicates that this missense variant is not expected to disrupt APC protein function with a negative predictive value of 95%. In summary, the available evidence is currently insufficient to determine the role of this variant in disease. Therefore, it has been classified as a Variant of Uncertain Significance.

NM_000038.6(APC):c.8161C>A (p.Arg2721Ser)

Gene: APC (APC regulator of Wnt signaling pathway; plus strand). Cytogenetic location: 5q22.2.
Variant type: single nucleotide variant.
Coding change: c.8161C>A on transcript NM_000038.6 (MANE Select); coding-DNA position 8161, C replaced by A.
Protein change: p.Arg2721Ser; replaces arginine 2721 with serine.
Molecular consequence: missense variant.
Genome position (GRCh38, 1-based): chr5:112,843,755, C>A. VCF-style: chr5-112843755-C-A. GRCh37 (hg19) VCF-style: chr5-112179452-C-A.
Other names: c.8161C>A, p.Arg2721Ser (NM_001127510.3, NM_001354895.2); c.8107C>A, p.Arg2703Ser (NM_001127511.3); c.8215C>A, p.Arg2739Ser (NM_001354896.2); c.8191C>A, p.Arg2731Ser (NM_001354897.2); c.8086C>A, p.Arg2696Ser (NM_001354898.2); c.8077C>A, p.Arg2693Ser (NM_001354899.2); c.8038C>A, p.Arg2680Ser (NM_001354900.2); c.7984C>A, p.Arg2662Ser (NM_001354901.2); and 5 more; short protein forms R2703S, R2721S, R2731S, R2739S, R2561S, R2595S, R2630S, R2693S.
Identifiers: ClinVar variation 487053 (VCV000487053.8), dbSNP rs587782312, ClinGen allele CA16039049.
Genomic context (GRCh38, chr5:112,843,755, plus strand): 5'-CAGGCAAAACAAAATGTGGGTAATGGCAGTGTTCCCATGCGTACCGTGGGTTTGGAAAAT[C>A]GCCTGAACTCCTTTATTCAGGTGGATGCCCCTGACCAAAAAGGAACTGAGATAAAACCAG-3'
Protein context (NP_000029.2, residues 2711-2731): VPMRTVGLEN[Arg2721Ser]LNSFIQVDAP